The following is an entry in ClinVar:

ClinVar aggregate classification (germline): Uncertain significance (1 of 4 stars; one submission).

Submission:

Labcorp Genetics (formerly Invitae), Labcorp
Classification: Uncertain significance. Last evaluated: 2025-12-26. Review status: criteria provided, single submitter. Criteria: Invitae Variant Classification Sherloc (09022015). Collection method: clinical testing. Allele origin: germline.
Comment: This sequence change replaces proline, which is neutral and non-polar, with leucine, which is neutral and non-polar, at codon 572 of the THBD protein (p.Pro572Leu). This variant is not present in population databases (gnomAD no frequency). This variant has not been reported in the literature in individuals affected with THBD-related conditions. An algorithm developed to predict the effect of missense changes on protein structure and function outputs the following: PolyPhen-2: "Benign". The leucine amino acid residue is found in multiple mammalian species, which suggests that this missense change does not adversely affect protein function. In summary, the available evidence is currently insufficient to determine the role of this variant in disease. Therefore, it has been classified as a Variant of Uncertain Significance.

NM_000361.3(THBD):c.1715C>T (p.Pro572Leu)

Gene: THBD (thrombomodulin; minus strand). Cytogenetic location: 20p11.21.
Variant type: single nucleotide variant.
Coding change: c.1715C>T on transcript NM_000361.3 (MANE Select); coding-DNA position 1715, C replaced by T.
Protein change: p.Pro572Leu; replaces proline 572 with leucine.
Molecular consequence: missense variant.
Genome position (GRCh38, 1-based): chr20:23,047,790, G>A on the plus strand (C>T on the coding strand, the complement: THBD is on the minus strand). VCF-style: chr20-23047790-G-A. GRCh37 (hg19) VCF-style: chr20-23028427-G-A.
Other names: short protein forms P572L.
Identifiers: ClinVar variation 4781483 (VCV004781483.1).